The following is an entry in ClinVar:

ClinVar aggregate classification (germline): Pathogenic. Review status: criteria provided, multiple submitters, no conflicts (2 of 4 stars). 16 submissions from 16 submitters: Pathogenic (14). 2 of the submissions do not count toward it. Last evaluated 2025-09-10.

Conditions:
Breast-ovarian cancer, familial, susceptibility to, 5 (BROVCA5). Identifiers: MedGen C5830615, MONDO:0957530, OMIM 620442.
Hereditary cancer-predisposing syndrome. Also called: Tumor predisposition; Hereditary neoplastic syndrome; Hereditary Cancer Syndrome; Neoplastic Syndromes, Hereditary. Identifiers: Orphanet 140162, MedGen C0027672, MeSH D009386, MONDO:0015356.
Hereditary breast ovarian cancer syndrome. Also called: Hereditary breast and ovarian cancer syndrome; BRCA1- and BRCA2-Associated Hereditary Breast and Ovarian Cancer; Hereditary breast and/or ovarian cancer syndrome; Hereditary breast and ovarian cancer syndrome (HBOC); Breast and ovarian cancer; Hereditary breast and ovarian cancer. Identifiers: Orphanet 145, MedGen C0677776, MeSH D061325, MONDO:0003582. Disease mechanism: loss of function.
Familial cancer of breast. Also called: hereditary breast carcinoma; BREAST CANCER, FAMILIAL; Hereditary breast cancer. Identifiers: Orphanet 227535, MedGen C0346153, MONDO:0016419, OMIM 114480. Disease mechanism: loss of function.

Submissions (16):

Labcorp Genetics (formerly Invitae), Labcorp
Classification: Pathogenic for Familial cancer of breast. Last evaluated: 2025-09-10. Review status: criteria provided, single submitter. Criteria: Invitae Variant Classification Sherloc (09022015). Collection method: clinical testing. Allele origin: germline.
Comment: This sequence change creates a premature translational stop signal (p.Arg476Lysfs*11) in the PALB2 gene. It is expected to result in an absent or disrupted protein product. Loss-of-function variants in PALB2 are known to be pathogenic (PMID: 17200668, 17200671, 17200672, 24136930, 25099575). This variant is not present in population databases (gnomAD no frequency). This premature translational stop signal has been observed in individual(s) with breast cancer (PMID: 25186627). ClinVar contains an entry for this variant (Variation ID: 410179). For these reasons, this variant has been classified as Pathogenic.

CeGaT Center for Human Genetics Tuebingen
Classification: Pathogenic. Last evaluated: 2025-09-01. Review status: criteria provided, single submitter. Criteria: CeGaT Center For Human Genetics Tuebingen Variant Classification Criteria Version 2. Collection method: clinical testing. Allele origin: germline. Affected: yes. Observed: 4 variant alleles.
Comment: PALB2: PVS1, PM2, PS4:Moderate

Color Diagnostics, LLC DBA Color Health
Classification: Pathogenic for Hereditary cancer-predisposing syndrome. Last evaluated: 2025-04-21. Review status: criteria provided, single submitter. Criteria: ACMG Guidelines, 2015. Collection method: clinical testing. Allele origin: germline.
Comment: This variant inserts 1 nucleotide in exon 4 of the PALB2 gene, creating a frameshift and premature translation stop signal. This variant is expected to result in an absent or non-functional protein product. This variant has been reported in at least three individuals affected with breast cancer and pancreatic cancer (PMID: 25186627, 29922827, 29982661). This variant has not been identified in the general population by the Genome Aggregation Database (gnomAD). Loss of PALB2 function is a known mechanism of disease. Based on the available evidence, this variant is classified as Pathogenic.

Dasa
Classification: Pathogenic for Breast-ovarian cancer, familial, susceptibility to, 5. Last evaluated: 2025-02-23. Review status: criteria provided, single submitter. Criteria: DASA Assertion Criteria. Collection method: clinical testing. Allele origin: germline.
Comment: NM_024675.4(PALB2):c.1424dup (p.Arg476Lysfs*11) is a frameshift variant in PALB2 predicted to alter the reading frame and introduce a premature termination codon and is predicted to result in an absent or altered protein product. Loss of function is an established disease mechanism for PALB2 (PMID: 17200668; PMID: 25099575; PMID: 31841383). The affected residue or protein region has prior evidence supporting clinical relevance. Also, this variant is absent from population databases. Based on the currently available evidence, this variant is classified as pathogenic.

Ambry Genetics
Classification: Pathogenic for Hereditary cancer-predisposing syndrome. Last evaluated: 2024-12-16. Review status: criteria provided, single submitter. Criteria: Ambry Variant Classification Scheme 2023. Collection method: clinical testing. Allele origin: germline.
Comment: The c.1424dupC pathogenic mutation, located in coding exon 4 of the PALB2 gene, results from a duplication of C at nucleotide position 1424, causing a translational frameshift with a predicted alternate stop codon (p.R476Kfs*11). This mutation has also been detected in patients with pancreatic cancer (Hu C et al. JAMA, 2018 06;319:2401-2409; Antwi SO et al. J Natl Cancer Inst, 2019 03;111:264-271). In addition to the clinical data presented in the literature, this alteration is expected to result in loss of function by premature protein truncation or nonsense-mediated mRNA decay. As such, this alteration is interpreted as a disease-causing mutation.

Institute of Human Genetics, FAU Erlangen, Friedrich-Alexander-Universität Erlangen-Nürnberg
Classification: Pathogenic. Last evaluated: 2024-11-05. Review status: criteria provided, single submitter. Criteria: Hauer et al. (Genet Med. 2018). Collection method: clinical testing. Allele origin: germline. Inheritance: Unknown mechanism. Affected: yes. Observed: 1 variant allele.
Comment: This variant has been identified by standard clinical testing.

GeneDx
Classification: Pathogenic. Last evaluated: 2024-09-09. Review status: criteria provided, single submitter. Criteria: GeneDx Variant Classification Process June 2021. Collection method: clinical testing. Allele origin: germline. Affected: yes.
Comment: Frameshift variant predicted to result in protein truncation or nonsense mediated decay in a gene for which loss of function is a known mechanism of disease; Observed in individuals with a personal or family history consistent with pathogenic variants in this gene referred for genetic testing at GeneDx and in published literature (PMID: 25186627, 29922827); Truncating variants in this gene are considered pathogenic by a well-established clinical consortium and/or database; Not observed at significant frequency in large population cohorts (gnomAD); This variant is associated with the following publications: (PMID: 25186627, 29922827, 35264596, 24136930, 25099575, 29982661, 29522266, 17200672, 17200668, 17200671, 38118367)

Baylor Genetics
Classification: Pathogenic for Familial cancer of breast. Last evaluated: 2024-01-01. Review status: criteria provided, single submitter. Criteria: ACMG Guidelines, 2015. Collection method: clinical testing. Allele origin: unknown.

Myriad Genetics, Inc.
Classification: Pathogenic for Familial cancer of breast. Last evaluated: 2023-09-08. Review status: criteria provided, single submitter. Criteria: Myriad Autosomal Dominant, Autosomal Recessive and X-Linked Classification Criteria (2023). Collection method: clinical testing. Allele origin: unknown.
Comment: This variant is considered pathogenic. This variant creates a frameshift predicted to result in premature protein truncation.

Institute of Human Genetics, University of Leipzig Medical Center
Classification: Pathogenic for Familial cancer of breast. Last evaluated: 2023-07-12. Review status: criteria provided, single submitter. Criteria: ACMG Guidelines, 2015. Collection method: clinical testing. Allele origin: unknown. Inheritance: Autosomal dominant inheritance. Affected: yes.
Comment: Criteria applied: PVS1,PS4_MOD,PM2_SUP

Sema4
Classification: Pathogenic for Hereditary cancer-predisposing syndrome. Last evaluated: 2022-02-21. Review status: criteria provided, single submitter. Criteria: Sema4 Curation Guidelines. Collection method: curation. Allele origin: germline.
Comment: The PALB2 c.1424dupC (p.R476KfsX11) variant has been reported in heterozygosity in at least two individuals with breast and in at least one individual with pancreatic cancer (PMID: 25186627, 29522266, 29922827). This variant causes a frameshift at amino acid 476 that results in premature termination 11 amino acids downstream. At this location, this variant is predicted to cause loss of normal protein function either through protein truncation or nonsense-mediated mRNA decay. Loss-of-function variants in PALB2 are known to be pathogenic (PMID: 25099575; 32339256). This variant is not reported in the population database Genome Aggregation Database (PMID: 32461654). This variant has been reported in ClinVar (Variation ID: 410179). Based on the current evidence available, this variant is interpreted as pathogenic.

Quest Diagnostics Nichols Institute San Juan Capistrano
Classification: Pathogenic. Last evaluated: 2022-02-18. Review status: criteria provided, single submitter. Criteria: Quest Diagnostics criteria. Collection method: clinical testing. Allele origin: unknown.
Comment: This frameshift variant alters the translational reading frame of the PALB2 mRNA and causes the premature termination of PALB2 protein synthesis. This variant has not been reported in large, multi-ethnic general populations. In the published literature, the variant has been reported in individuals with pancreatic cancer (PMID: 29922827 (2018)) and breast cancer (PMIDs: 29522266 (2018), 25186627 (2015)). Based on the available information, this variant is classified as pathogenic.

Mendelics
Classification: Pathogenic for Familial cancer of breast. Last evaluated: 2019-05-28. Review status: criteria provided, single submitter. Criteria: Mendelics Assertion Criteria 2017. Collection method: clinical testing. Allele origin: unknown.

Women's Health and Genetics/Laboratory Corporation of America, LabCorp
Classification: Pathogenic for Familial cancer of breast. Last evaluated: 2018-10-22. Review status: criteria provided, single submitter. Criteria: LabCorp Variant Classification Summary - May 2015. Collection method: clinical testing. Allele origin: germline.
Comment: Variant summary: PALB2 c.1424dupC (p.Arg476LysfsX11) results in a premature termination codon, predicted to cause a truncation of the encoded protein or absence of the protein due to nonsense mediated decay, which are commonly known mechanisms for disease. Truncations downstream of this position have been classified as pathogenic by our laboratory (eg. c.2167_2168delAT (p.Met723fsX21), c.2607delC (p.Val870X), and c.2920_2921delAA (p.Lys974fsX5)). The variant was absent in 245906 control chromosomes (gnomAD). c.1424dupC has been reported in the literature in an individual affected with breast cancer (Tung_2015) and pancreatic cancer (Hu_2018). These data indicate that the variant may be associated with disease. To our knowledge, no experimental evidence demonstrating an impact on protein function has been reported. Three ClinVar submissions from clinical diagnostic laboratories (evaluation after 2014) cite the variant as likely pathogenic/pathogenic. Based on the evidence outlined above, the variant was classified as pathogenic.

BRCAlab, Lund University
Classification: Pathogenic for Hereditary breast ovarian cancer syndrome. Last evaluated: 2022-08-26. Review status: no assertion criteria provided. Collection method: clinical testing. Allele origin: germline. Affected: yes. Not counted in ClinVar's aggregate classification.

Leiden Open Variation Database
Classification: Pathogenic for Familial cancer of breast. Last evaluated: 2019-12-04. Review status: no assertion criteria provided. Collection method: curation. Allele origin: germline. Affected: no. Not counted in ClinVar's aggregate classification.
Comment: Curators: Marc Tischkowitz, Arleen D. Auerbach. Submitters to LOVD: Andreas Laner, Marc Tischkowitz.

Literature cited by the submitters: PubMed 17200668 (cited by Labcorp Genetics (formerly Invitae), Labcorp and Dasa); PubMed 17200671 (cited by Labcorp Genetics (formerly Invitae), Labcorp); PubMed 17200672 (cited by Labcorp Genetics (formerly Invitae), Labcorp); PubMed 24136930 (cited by Labcorp Genetics (formerly Invitae), Labcorp); PubMed 25099575 (cited by 3 submitters); PubMed 25186627 (cited by 7 submitters); PubMed 29922827 (cited by 5 submitters); PubMed 29982661 (cited by Color Diagnostics, LLC DBA Color Health and Ambry Genetics); PubMed 31841383 (cited by Dasa); PubMed 29522266 (cited by Sema4 and Quest Diagnostics Nichols Institute San Juan Capistrano).

NM_024675.4(PALB2):c.1424dup (p.Arg476fs)

Gene: PALB2 (partner and localizer of BRCA2; minus strand). Cytogenetic location: 16p12.2.
Variant type: Duplication.
Coding change: c.1424dup on transcript NM_024675.4 (MANE Select); coding-DNA position 1424, one base duplicated (C; older notation c.1424dupC).
Protein change: p.Arg476fs; shifts the reading frame from arginine 476.
Genome position (GRCh38, 1-based): chr16:23,635,122, G duplicated on the plus strand (C on the coding strand, the reverse complement: PALB2 is on the minus strand). VCF-style (leftmost placement, unchanged base first): chr16-23635121-T-TG. GRCh37 (hg19) VCF-style: chr16-23646442-T-TG.
Other names: c.1424dupC (NM_024675.3); short protein forms R476fs.
Identifiers: ClinVar variation 410179 (VCV000410179.89), dbSNP rs1555461294, ClinGen allele CA16614897.